The following is an entry in ClinVar:

ClinVar aggregate classification (germline): Uncertain significance (1 of 4 stars; one submission).

gnomAD v4.1: 2,116 of 1,550,474 alleles (0.14%); highest among the groups gnomAD compares: Non-Finnish European, 0.18%; 1 homozygote.

Submissions (3):

GeneDx
Classification: Uncertain significance. Last evaluated: 2024-06-26. Review status: criteria provided, single submitter. Criteria: GeneDx Variant Classification Process June 2021. Collection method: clinical testing. Allele origin: germline. Affected: yes.
Comment: Identified in a patient from a cohort of individuals with MMR-proficient familial colorectal cancer; however, detailed clinical information was not provided (PMID: 32841224); In silico analysis indicates that this missense variant does not alter protein structure/function; This variant is associated with the following publications: (PMID: 37378315, 32841224)

Dr. Peter K. Rogan Lab, Western University
No classification provided (evidence only). Condition: Uterine corpus endometrial carcinoma. Review status: no classification provided. Collection method: in vitro. Allele origin: not applicable. Functional consequence: skipped exon. Not counted in ClinVar's aggregate classification.

Dr. Peter K. Rogan Lab, Western University
No classification provided (evidence only). Condition: Hepatocellular carcinoma. Review status: no classification provided. Collection method: in vitro. Allele origin: not applicable. Functional consequence: retained intron. Not counted in ClinVar's aggregate classification.

NM_017696.3(MCM9):c.1915C>G (p.Leu639Val)

Gene: MCM9 (minichromosome maintenance 9 homologous recombination repair factor; minus strand). Cytogenetic location: 6q22.31.
Variant type: single nucleotide variant.
Coding change: c.1915C>G on transcript NM_017696.3 (MANE Select); coding-DNA position 1915, C replaced by G.
Protein change: p.Leu639Val; replaces leucine 639 with valine.
Molecular consequence: missense variant. On other transcripts: intron variant (4), non-coding transcript variant (1).
Genome position (GRCh38, 1-based): chr6:118,826,193, G>C on the plus strand (C>G on the coding strand, the complement: MCM9 is on the minus strand). VCF-style: chr6-118826193-G-C. GRCh37 (hg19) VCF-style: chr6-119147356-G-C.
Other names: NC_000006.11:g.119147356G>C; c.1689+589C>G (NM_001378366.1); c.1815+589C>G (NM_001378360.1, NM_001378359.1); c.1617+589C>G (NM_001378367.1); c.1915C>G, p.Leu639Val (NM_001378356.1, NM_001378357.1); c.1711C>G, p.Leu571Val (NM_001378364.1); short protein forms L571V, L639V.
Identifiers: ClinVar variation 3392771 (VCV003392771.2).